The following is an entry in ClinVar:

ClinVar aggregate classification (germline): Uncertain significance. Review status: criteria provided, multiple submitters, no conflicts (2 of 4 stars). 3 submissions from 3 submitters: Uncertain significance (3). Last evaluated 2026-06-22.

Conditions:
Polycystic kidney disease, adult type (PKD1). Also called: Polycystic Kidney Disease 1, Autosomal Dominant; Polycystic kidney disease 1; Polycystic kidney disease 1, severe; Polycystic Kidney, Autosomal Dominant; POLYCYSTIC KIDNEY DISEASE, ADULT, TYPE I; POLYCYSTIC KIDNEY DISEASE 1 WITH OR WITHOUT POLYCYSTIC LIVER DISEASE. Identifiers: MedGen C3149841, MONDO:0008263, OMIM 173900.
PKD1-related disorder. Also called: PKD1-related condition.

gnomAD v4.1: 16 of 1,610,312 alleles (0.00099%); highest among the groups gnomAD compares: Non-Finnish European, 0.0013%; no homozygotes.

Submissions (3):

PreventionGenetics, part of Exact Sciences
Classification: Uncertain significance for PKD1-related condition. Last evaluated: 2026-06-22. Review status: criteria provided, single submitter. Criteria: ACMG Guidelines, 2015. Collection method: clinical testing. Allele origin: germline.
Comment: The PKD1 c.6145G>C variant is predicted to result in the amino acid substitution p.Glu2049Gln. To our knowledge, this variant has not been reported in the literature. This variant is reported in 0.0018% of alleles in individuals of European (Non-Finnish) descent in gnomAD. The p.Glu2049 residue is weakly conserved. At this time, the clinical significance of this variant is uncertain due to the absence of conclusive functional and genetic evidence.

Fulgent Genetics
Classification: Uncertain significance for Polycystic kidney disease, adult type. Last evaluated: 2024-05-03. Review status: criteria provided, single submitter. Criteria: ACMG Guidelines, 2015. Collection method: clinical testing. Allele origin: germline.

Blueprint Genetics
Classification: Uncertain significance. Last evaluated: 2024-04-08. Review status: criteria provided, single submitter. Criteria: ACMG Guidelines, 2015. Collection method: clinical testing. Allele origin: germline.

NM_001009944.3(PKD1):c.6145G>C (p.Glu2049Gln)

Gene: PKD1 (polycystin 1, transient receptor potential channel interacting; minus strand). Cytogenetic location: 16p13.3.
Variant type: single nucleotide variant.
Coding change: c.6145G>C on transcript NM_001009944.3 (MANE Select); coding-DNA position 6145, G replaced by C.
Protein change: p.Glu2049Gln; replaces glutamic acid 2049 with glutamine.
Molecular consequence: missense variant.
Genome position (GRCh38, 1-based): chr16:2,109,022, C>G on the plus strand (G>C on the coding strand, the complement: PKD1 is on the minus strand). VCF-style: chr16-2109022-C-G. GRCh37 (hg19) VCF-style: chr16-2159023-C-G.
Other names: c.6145G>C, p.Glu2049Gln (NM_000296.4); short protein forms E2049Q.
Identifiers: ClinVar variation 3579392 (VCV003579392.3).